The following is an entry in ClinVar:

ClinVar aggregate classification (germline): Benign (1 of 4 stars; one submission).

Conditions:
Methylmalonate semialdehyde dehydrogenase deficiency (MMSDHD). Also called: MMSDH DEFICIENCY. Identifiers: Orphanet 289307, MedGen C3279840, MONDO:0013579, OMIM 614105.

Allele frequency attached by ClinVar (database versions not stated): gnomAD 0.00532 and 0.00573; 1000 Genomes Project 0.00599; TOPMed 0.00612; 1000 Genomes Project 30x 0.00671.

Submission:

Illumina Laboratory Services, Illumina
Classification: Benign for Methylmalonate semialdehyde dehydrogenase deficiency. Last evaluated: 2018-01-13. Review status: criteria provided, single submitter. Criteria: ICSL Variant Classification Criteria 13 December 2019. Collection method: clinical testing. Allele origin: germline.
Comment: This variant was observed in the ICSL laboratory as part of a predisposition screen in an ostensibly healthy population. It had not been previously curated by ICSL or reported in the Human Gene Mutation Database (HGMD: prior to June 1st, 2018), and was therefore a candidate for classification through an automated scoring system. Utilizing variant allele frequency, disease prevalence and penetrance estimates, and inheritance mode, an automated score was calculated to assess if this variant is too frequent to cause the disease. Based on the score and internal cut-off values, a variant classified as benign is not then subjected to further curation. The score for this variant resulted in a classification of benign for this disease.

NM_005589.4(ALDH6A1):c.*2157C>T

Genes: ALDH6A1 (aldehyde dehydrogenase 6 family member A1; minus strand), BBOF1 (basal body orientation factor 1; plus strand). Cytogenetic location: 14q24.3.
Variant type: single nucleotide variant.
Coding change: c.*2157C>T on transcript NM_005589.4 (MANE Select); 2157 bases downstream of the stop codon, C replaced by T.
Molecular consequence: 3 prime UTR variant. On other transcripts: intron variant (1).
Genome position (GRCh38, 1-based): chr14:74,058,485, G>A on the plus strand (C>T on the coding strand, the complement: ALDH6A1 is on the minus strand). VCF-style: chr14-74058485-G-A. GRCh37 (hg19) VCF-style: chr14-74525188-G-A.
Other names: c.*2157C>T (NM_001278593.2, NM_001278594.2); c.1578+1227G>A (NM_025057.3).
Identifiers: ClinVar variation 884863 (VCV000884863.4), dbSNP rs116025535, ClinGen allele CA263533231.